The following is an entry in ClinVar:

NM_014915.3(ANKRD26):c.4663T>C (p.Tyr1555His)

Gene: ANKRD26 (ankyrin repeat domain 26; minus strand). Cytogenetic location: 10p12.1.
Variant type: single nucleotide variant.
Coding change: c.4663T>C on transcript NM_014915.3 (MANE Select); coding-DNA position 4663, T replaced by C.
Protein change: p.Tyr1555His; replaces tyrosine 1555 with histidine.
Molecular consequence: missense variant.
Genome position (GRCh38, 1-based): chr10:27,014,555, A>G on the plus strand (T>C on the coding strand, the complement: ANKRD26 is on the minus strand). VCF-style: chr10-27014555-A-G. GRCh37 (hg19) VCF-style: chr10-27303484-A-G.
Other names: c.4660T>C, p.Tyr1554His (NM_001256053.2); short protein forms Y1555H, Y1554H.
Identifiers: ClinVar variation 4105084 (VCV004105084.2).

ClinVar aggregate classification (germline): Uncertain significance (1 of 4 stars; one submission).

Conditions:
Inborn genetic diseases. Identifiers: MedGen C0950123, MeSH D030342.

Submission:

Ambry Genetics
Classification: Uncertain significance for Inborn genetic diseases. Last evaluated: 2026-01-17. Review status: criteria provided, single submitter. Criteria: Ambry Variant Classification Scheme 2023. Collection method: clinical testing. Allele origin: germline.
Comment: The p.Y1555H variant (also known as c.4663T>C), located in coding exon 31 of the ANKRD26 gene, results from a T to C substitution at nucleotide position 4663. The tyrosine at codon 1555 is replaced by histidine, an amino acid with similar properties. This amino acid position is conserved. In addition, this alteration is predicted to be tolerated by in silico analysis. Based on the available evidence, the clinical significance of this variant remains unclear.